The following is an entry in ClinVar:

ClinVar aggregate classification (germline): Benign/Likely benign. Review status: criteria provided, multiple submitters, no conflicts (2 of 4 stars). 3 submissions from 3 submitters: Benign (1); Likely benign (2). Last evaluated 2018-07-10.

Conditions:
Cockayne syndrome type 1. Also called: Cockayne syndrome type I; Cockayne syndrome classical; Cockayne syndrome classic form. Identifiers: Orphanet 191, Orphanet 90321, MedGen C0751039, MONDO:0019569, OMIM 216400.

Allele frequency attached by ClinVar (database versions not stated): 1000 Genomes Project 0.01677; 1000 Genomes Project 30x 0.01796; TOPMed 0.02331; gnomAD 0.02401 and 0.02403; ESP Exome Variant Server 0.02591; gnomAD exomes 0.02729; ExAC 0.02768.
gnomAD v4.1: 50,423 of 1,604,784 alleles (3.1%); highest among the groups gnomAD compares: Middle Eastern, 6%; 936 homozygotes.

Submissions (3):

GeneDx
Classification: Likely benign. Last evaluated: 2018-07-10. Review status: criteria provided, single submitter. Criteria: GeneDx Variant Classification Process June 2021. Collection method: clinical testing. Allele origin: germline. Affected: yes.

Illumina Laboratory Services, Illumina
Classification: Benign for Cockayne syndrome type 1. Last evaluated: 2018-01-13. Review status: criteria provided, single submitter. Criteria: ICSL Variant Classification Criteria 13 December 2019. Collection method: clinical testing. Allele origin: germline.
Comment: This variant was observed in the ICSL laboratory as part of a predisposition screen in an ostensibly healthy population. It had not been previously curated by ICSL or reported in the Human Gene Mutation Database (HGMD: prior to June 1st, 2018), and was therefore a candidate for classification through an automated scoring system. Utilizing variant allele frequency, disease prevalence and penetrance estimates, and inheritance mode, an automated score was calculated to assess if this variant is too frequent to cause the disease. Based on the score and internal cut-off values, a variant classified as benign is not then subjected to further curation. The score for this variant resulted in a classification of benign for this disease.

Breakthrough Genomics
Classification: Likely benign. Review status: criteria provided, single submitter. Criteria: ACMG Guidelines, 2015. Collection method: not provided. Allele origin: germline. Inheritance: Autosomal recessive inheritance. Affected: yes.

NM_000082.4(ERCC8):c.-23T>G

Gene: ERCC8 (ERCC excision repair 8, CSA ubiquitin ligase complex subunit; minus strand). Cytogenetic location: 5q12.1.
Variant type: single nucleotide variant.
Coding change: c.-23T>G on transcript NM_000082.4 (MANE Select); 23 bases upstream of the start codon, T replaced by G.
Molecular consequence: 5 prime UTR variant.
Genome position (GRCh38, 1-based): chr5:60,945,031, A>C on the plus strand (T>G on the coding strand, the complement: ERCC8 is on the minus strand). VCF-style: chr5-60945031-A-C. GRCh37 (hg19) VCF-style: chr5-60240858-A-C.
Other names: c.-415T>G (NM_001007233.3); c.-23T>G (NM_001007234.3); c.-400T>G (NM_001290285.2).
Identifiers: ClinVar variation 354024 (VCV000354024.9), dbSNP rs4647038, ClinGen allele CA3278002.